The following is an entry in ClinVar:

ClinVar aggregate classification (germline): Conflicting classifications of pathogenicity. Review status: criteria provided, conflicting classifications (1 of 4 stars). 2 submissions from 2 submitters: Uncertain significance (1); Likely benign (1). Last evaluated 2024-02-24.

Allele frequency attached by ClinVar (database versions not stated): gnomAD 0.00005; gnomAD exomes 0.00007 and 0.00038; TOPMed 0.00018; ExAC 0.00051.
gnomAD v4.1: 115 of 1,614,118 alleles (0.0071%); highest among the groups gnomAD compares: Admixed American, 0.15%; 1 homozygote.

Submissions (2):

Labcorp Genetics (formerly Invitae), Labcorp
Classification: Likely benign. Last evaluated: 2024-02-24. Review status: criteria provided, single submitter. Criteria: Invitae Variant Classification Sherloc (09022015). Collection method: clinical testing. Allele origin: germline.

GeneDx
Classification: Uncertain significance. Last evaluated: 2023-06-08. Review status: criteria provided, single submitter. Criteria: GeneDx Variant Classification Process June 2021. Collection method: clinical testing. Allele origin: germline. Affected: yes.
Comment: In silico analysis supports that this missense variant has a deleterious effect on protein structure/function; Has not been previously published as pathogenic or benign to our knowledge

NM_016327.3(UPB1):c.770C>T (p.Ser257Leu)

Gene: UPB1 (beta-ureidopropionase 1; plus strand). Cytogenetic location: 22q11.23.
Variant type: single nucleotide variant.
Coding change: c.770C>T on transcript NM_016327.3 (MANE Select); coding-DNA position 770, C replaced by T.
Protein change: p.Ser257Leu; replaces serine 257 with leucine.
Molecular consequence: missense variant.
Genome position (GRCh38, 1-based): chr22:24,515,349, C>T. VCF-style: chr22-24515349-C-T. GRCh37 (hg19) VCF-style: chr22-24911317-C-T.
Other names: c.770C>T (NM_016327.2); short protein forms S257L.
Identifiers: ClinVar variation 1543791 (VCV001543791.9), dbSNP rs753638837, ClinGen allele CA10153329.